The following is an entry in ClinVar:

ClinVar aggregate classification (germline): Likely benign. Review status: criteria provided, multiple submitters, no conflicts (2 of 4 stars). 2 submissions from 2 submitters: Likely benign (2). Last evaluated 2018-06-14.

Allele frequency attached by ClinVar (database versions not stated): gnomAD 0.01213 and 0.01273; TOPMed 0.01396; 1000 Genomes Project 0.01577; 1000 Genomes Project 30x 0.01827.
gnomAD v4.1: 1,825 of 152,322 alleles (1.2%); highest among the groups gnomAD compares: African/African-American, 4.1%; 34 homozygotes.

Submissions (2):

GeneDx
Classification: Likely benign. Last evaluated: 2018-06-14. Review status: criteria provided, single submitter. Criteria: GeneDx Variant Classification (06012015). Collection method: clinical testing. Allele origin: germline. Affected: yes.
Comment: This variant is considered likely benign or benign based on one or more of the following criteria: it is a conservative change, it occurs at a poorly conserved position in the protein, it is predicted to be benign by multiple in silico algorithms, and/or has population frequency not consistent with disease.

Breakthrough Genomics
Classification: Likely benign. Review status: criteria provided, single submitter. Criteria: ACMG Guidelines, 2015. Collection method: not provided. Allele origin: germline. Inheritance: Autosomal dominant inheritance. Affected: yes.

NM_000093.5(COL5A1):c.2287-180G>A

Gene: COL5A1 (collagen type V alpha 1 chain; plus strand). Cytogenetic location: 9q34.3.
Variant type: single nucleotide variant.
Coding change: c.2287-180G>A on transcript NM_000093.5 (MANE Select); 180 bases into the intron before coding-DNA position 2287, G replaced by A.
Molecular consequence: intron variant.
Genome position (GRCh38, 1-based): chr9:134,772,610, G>A. VCF-style: chr9-134772610-G-A. GRCh37 (hg19) VCF-style: chr9-137664456-G-A.
Other names: c.2287-180G>A (NM_001278074.1).
Identifiers: ClinVar variation 675991 (VCV000675991.2), dbSNP rs147488096, ClinGen allele CA201100252.